The following is an entry in ClinVar:

ClinVar aggregate classification (germline): Conflicting classifications of pathogenicity. Review status: criteria provided, conflicting classifications (1 of 4 stars). 2 submissions from 2 submitters: Uncertain significance (1); Likely benign (1). Last evaluated 2026-07-30.

Conditions:
Colorectal cancer, hereditary nonpolyposis, type 7. Identifiers: Orphanet 144, MedGen C1858380, MONDO:0013725, OMIM 614385.

Allele frequency attached by ClinVar (database versions not stated): gnomAD exomes below 0.00001; TOPMed below 0.00001; gnomAD 0.00001.
gnomAD v4.1: 2 of 1,613,972 alleles (0.00012%); highest among the groups gnomAD compares: Non-Finnish European, 0.00017%; no homozygotes.

Submissions (2):

Ambry Genetics
Classification: Likely benign. Last evaluated: 2026-07-30. Review status: criteria provided, single submitter. Criteria: Ambry Variant Classification Scheme 2023. Collection method: clinical testing. Allele origin: germline.

Labcorp Genetics (formerly Invitae), Labcorp
Classification: Uncertain significance for Colorectal cancer, hereditary nonpolyposis, type 7. Last evaluated: 2022-10-07. Review status: criteria provided, single submitter. Criteria: Invitae Variant Classification Sherloc (09022015). Collection method: clinical testing. Allele origin: germline.
Comment: In summary, the available evidence is currently insufficient to determine the role of this variant in disease. Therefore, it has been classified as a Variant of Uncertain Significance. Algorithms developed to predict the effect of missense changes on protein structure and function (SIFT, PolyPhen-2, Align-GVGD) all suggest that this variant is likely to be tolerated. ClinVar contains an entry for this variant (Variation ID: 478028). This variant has not been reported in the literature in individuals affected with MLH3-related conditions. This variant is not present in population databases (gnomAD no frequency). This sequence change replaces leucine, which is neutral and non-polar, with phenylalanine, which is neutral and non-polar, at codon 864 of the MLH3 protein (p.Leu864Phe).

NM_001040108.2(MLH3):c.2592G>T (p.Leu864Phe)

Gene: MLH3 (mutL homolog 3; minus strand). Cytogenetic location: 14q24.3.
Variant type: single nucleotide variant.
Coding change: c.2592G>T on transcript NM_001040108.2 (MANE Select); coding-DNA position 2592, G replaced by T.
Protein change: p.Leu864Phe; replaces leucine 864 with phenylalanine.
Molecular consequence: missense variant.
Genome position (GRCh38, 1-based): chr14:75,047,064, C>A on the plus strand (G>T on the coding strand, the complement: MLH3 is on the minus strand). VCF-style: chr14-75047064-C-A. GRCh37 (hg19) VCF-style: chr14-75513767-C-A.
Other names: c.2592G>T, p.Leu864Phe (NM_014381.3); short protein forms L864F.
Identifiers: ClinVar variation 478028 (VCV000478028.9), dbSNP rs1555345136, ClinGen allele CA390439689.